The following is an entry in ClinVar:

NM_004360.5(CDH1):c.1375G>A (p.Val459Met)

Gene: CDH1 (cadherin 1; plus strand). Cytogenetic location: 16q22.1.
Variant type: single nucleotide variant.
Coding change: c.1375G>A on transcript NM_004360.5 (MANE Select); coding-DNA position 1375, G replaced by A.
Protein change: p.Val459Met; replaces valine 459 with methionine.
Molecular consequence: missense variant. On other transcripts: 5 prime UTR variant (2).
Genome position (GRCh38, 1-based): chr16:68,815,569, G>A. VCF-style: chr16-68815569-G-A. GRCh37 (hg19) VCF-style: chr16-68849472-G-A.
Other names: c.1192G>A, p.Val398Met (NM_001317184.2); c.-174G>A (NM_001317185.2); c.-445G>A (NM_001317186.2); short protein forms V459M, V398M.
Identifiers: ClinVar variation 629322 (VCV000629322.25), dbSNP rs1567508837, ClinGen allele CA396462826.

ClinVar aggregate classification (germline): Conflicting classifications of pathogenicity. Review status: criteria provided, conflicting classifications (1 of 4 stars). 5 submissions from 5 submitters: Uncertain significance (4); Likely benign (1). Last evaluated 2026-05-15.

Conditions:
Hereditary diffuse gastric adenocarcinoma (HDGC). Also called: DIFFUSE GASTRIC AND LOBULAR BREAST CANCER SYNDROME. Identifiers: Orphanet 26106, MedGen C1708349, MONDO:0007648, OMIM 137215.
Hereditary cancer-predisposing syndrome. Also called: Tumor predisposition; Hereditary Cancer Syndrome; Neoplastic Syndromes, Hereditary; Hereditary neoplastic syndrome. Identifiers: Orphanet 140162, MedGen C0027672, MeSH D009386, MONDO:0015356.

Allele frequency attached by ClinVar (database versions not stated): gnomAD exomes below 0.00001.
gnomAD v4.1: 2 of 1,614,264 alleles (0.00012%); highest among the groups gnomAD compares: Non-Finnish European, 0.000085%; no homozygotes.

Submissions (5):

Ambry Genetics
Classification: Likely benign for Hereditary cancer-predisposing syndrome. Last evaluated: 2026-05-15. Review status: criteria provided, single submitter. Criteria: Ambry Variant Classification Scheme 2023. Collection method: clinical testing. Allele origin: germline.

Labcorp Genetics (formerly Invitae), Labcorp
Classification: Uncertain significance for Hereditary diffuse gastric adenocarcinoma. Last evaluated: 2026-02-03. Review status: criteria provided, single submitter. Criteria: Invitae Variant Classification Sherloc (09022015). Collection method: clinical testing. Allele origin: germline.
Comment: This sequence change replaces valine, which is neutral and non-polar, with methionine, which is neutral and non-polar, at codon 459 of the CDH1 protein (p.Val459Met). This variant is not present in population databases (gnomAD no frequency). This missense change has been observed in individual(s) with ovarian cancer (PMID: 32529019). ClinVar contains an entry for this variant (Variation ID: 629322). An algorithm developed to predict the effect of missense changes on protein structure and function (PolyPhen-2) suggests that this variant is likely to be disruptive. In summary, the available evidence is currently insufficient to determine the role of this variant in disease. Therefore, it has been classified as a Variant of Uncertain Significance.

GeneDx
Classification: Uncertain significance. Last evaluated: 2023-11-13. Review status: criteria provided, single submitter. Criteria: GeneDx Variant Classification Process June 2021. Collection method: clinical testing. Allele origin: germline. Affected: yes.
Comment: Observed in an individual with bilateral ovarian serous borderline tumors and a family history of breast and ovarian cancer (PMID: 32529019); In silico analysis supports that this missense variant does not alter protein structure/function; Not observed at significant frequency in large population cohorts (gnomAD); This variant is associated with the following publications: (PMID: 15235021, 22850631, 32529019)

Color Diagnostics, LLC DBA Color Health
Classification: Uncertain significance for Hereditary cancer-predisposing syndrome. Last evaluated: 2021-12-28. Review status: criteria provided, single submitter. Criteria: ACMG Guidelines, 2015. Collection method: clinical testing. Allele origin: germline.
Comment: This missense variant replaces valine with methionine at codon 459 of the CDH1 protein. To our knowledge, functional studies have not been reported for this variant. This variant has not been reported in individuals affected with hereditary cancer in the literature. This variant has not been identified in the general population by the Genome Aggregation Database (gnomAD). The available evidence is insufficient to determine the role of this variant in disease conclusively. Therefore, this variant is classified as a Variant of Uncertain Significance.

Quest Diagnostics Nichols Institute San Juan Capistrano
Classification: Uncertain significance. Last evaluated: 2021-07-15. Review status: criteria provided, single submitter. Criteria: Quest Diagnostics criteria. Collection method: clinical testing. Allele origin: unknown.

Literature cited by the submitters: PubMed 32529019 (cited by Labcorp Genetics (formerly Invitae), Labcorp and Quest Diagnostics Nichols Institute San Juan Capistrano).